The following is an entry in ClinVar:

ClinVar aggregate classification (germline): Likely pathogenic (1 of 4 stars; one submission).

Conditions:
Fanconi anemia complementation group A (FANCA). Also called: FANCA-Related Fanconi Anemia; Fanconi anemia, group A. Identifiers: Orphanet 84, MedGen C3469521, MONDO:0009215, OMIM 227650.

Submission:

Juno Genomics, Hangzhou Juno Genomics, Inc
Classification: Likely pathogenic for Fanconi anemia complementation group A. Review status: criteria provided, single submitter. Criteria: ACMG Guidelines, 2015. Collection method: clinical testing. Allele origin: germline.
Comment: Null variant in a gene where loss of function (LOF) is a known mechanism of disease.;Absent from controls (or at extremely low frequency if recessive) in Genome Aggregation Database.

NM_000135.4(FANCA):c.784dup (p.Met262fs)

Gene: FANCA (FA complementation group A; minus strand). Cytogenetic location: 16q24.3.
Variant type: Duplication.
Coding change: c.784dup on transcript NM_000135.4 (MANE Select); coding-DNA position 784, one base duplicated (A; older notation c.784dupA).
Protein change: p.Met262fs; shifts the reading frame from methionine 262.
Molecular consequence: frameshift variant.
Genome position (GRCh38, 1-based): chr16:89,803,267, T duplicated on the plus strand (A on the coding strand, the reverse complement: FANCA is on the minus strand); the first of 6 consecutive T bases (chr16:89,803,267-89,803,272); duplicating any one gives the same sequence. VCF-style (leftmost placement, unchanged base first): chr16-89803266-A-AT. GRCh37 (hg19) VCF-style: chr16-89869674-A-AT.
Other names: c.784dup, p.Met262fs (NM_001018112.3, NM_001286167.3); c.688dup, p.Met230fs (NM_001351830.2); short protein forms M262fs, M230fs.
Identifiers: ClinVar variation 5005668 (VCV005005668.2).